The following is an entry in ClinVar:

ClinVar aggregate classification (germline): Uncertain significance (1 of 4 stars; one submission).

Conditions:
Hereditary cancer-predisposing syndrome. Also called: Tumor predisposition; Hereditary neoplastic syndrome; Hereditary Cancer Syndrome; Neoplastic Syndromes, Hereditary. Identifiers: Orphanet 140162, MedGen C0027672, MeSH D009386, MONDO:0015356.

Submission:

Ambry Genetics
Classification: Uncertain significance for Hereditary cancer-predisposing syndrome. Last evaluated: 2025-05-15. Review status: criteria provided, single submitter. Criteria: Ambry Variant Classification Scheme 2023. Collection method: clinical testing. Allele origin: germline.
Comment: The c.-2+1G>T intronic variant is located in the 5' untranslated region (5&rsquo; UTR) of the POLD1 gene. This intronic variant results from a G to T substitution one nucleotide after the first translated codon. This nucleotide position is highly conserved in available vertebrate species. In silico splice site analysis predicts that this alteration will weaken the native splice donor site and will result in the creation or strengthening of a novel splice donor site. Alterations that disrupt the canonical splice site are expected to cause aberrant splicing, resulting in an abnormal protein or a transcript that is subject to nonsense-mediated mRNA decay. However, loss of function of POLD1 has not been established as a mechanism of disease. Based on the available evidence, the clinical significance of this alteration remains unclear.

NM_002691.4(POLD1):c.-2+1G>T

Gene: POLD1 (DNA polymerase delta 1, catalytic subunit; plus strand). Cytogenetic location: 19q13.33.
Variant type: single nucleotide variant.
Coding change: c.-2+1G>T on transcript NM_002691.4 (MANE Select); the canonical splice donor site of the intron after 2 bases upstream of the start codon, G replaced by T.
Molecular consequence: splice donor variant.
Genome position (GRCh38, 1-based): chr19:50,384,391, G>T. VCF-style: chr19-50384391-G-T. GRCh37 (hg19) VCF-style: chr19-50887648-G-T.
Other names: c.-5+1G>T (NM_001256849.1).
Identifiers: ClinVar variation 3935562 (VCV003935562.1).
Genomic context (GRCh38, chr19:50,384,391, plus strand): 5'-CGCGCGGGAGTCAGGGGTCACGGCGGCGTAGGCTGTGGCGGGAAACGCTGTTTGAAGCGG[G>T]TGAGTAGAGGGGAAAAAGGGAGTTCGGGGCAGTGGGCCTGGTAGGGAACGGGGCTTGAGC-3'